The following is an entry in ClinVar:

NM_000287.4(PEX6):c.1637G>A (p.Arg546His)

Gene: PEX6 (peroxisomal biogenesis factor 6; minus strand). Cytogenetic location: 6p21.1.
Variant type: single nucleotide variant.
Coding change: c.1637G>A on transcript NM_000287.4 (MANE Select); coding-DNA position 1637, G replaced by A.
Protein change: p.Arg546His; replaces arginine 546 with histidine.
Molecular consequence: missense variant. On other transcripts: non-coding transcript variant (1).
Genome position (GRCh38, 1-based): chr6:42,968,341, C>T on the plus strand (G>A on the coding strand, the complement: PEX6 is on the minus strand). VCF-style: chr6-42968341-C-T. GRCh37 (hg19) VCF-style: chr6-42936079-C-T.
Other names: c.1373G>A, p.Arg458His (NM_001316313.2); c.1637G>A (NM_000287.3); short protein forms R458H, R546H.
Identifiers: ClinVar variation 1498521 (VCV001498521.6), dbSNP rs201061728, ClinGen allele CA3811276.

ClinVar aggregate classification (germline): Uncertain significance. Review status: criteria provided, multiple submitters, no conflicts (2 of 4 stars). 3 submissions from 3 submitters: Uncertain significance (3). Last evaluated 2025-10-22.

Conditions:
PEX6-related disorder. Also called: PEX6-related condition; PEX6-related disorders.
Peroxisome biogenesis disorder. Identifiers: Orphanet 79189, MedGen C1832200, MONDO:0019234. Disease mechanism: loss of function.

Allele frequency attached by ClinVar (database versions not stated): gnomAD exomes 0.00007 and 0.00010; ESP Exome Variant Server 0.00008; gnomAD 0.00009; TOPMed 0.00010; ExAC 0.00011.
gnomAD v4.1: 119 of 1,614,052 alleles (0.0074%); highest among the groups gnomAD compares: Non-Finnish European, 0.0092%; no homozygotes.

Submissions (3):

PreventionGenetics, part of Exact Sciences
Classification: Uncertain significance for PEX6-related condition. Last evaluated: 2025-10-22. Review status: criteria provided, single submitter. Criteria: ACMG Guidelines, 2015. Collection method: clinical testing. Allele origin: germline.
Comment: The PEX6 c.1637G>A variant is predicted to result in the amino acid substitution p.Arg546His. To our knowledge, this variant has not been reported in the literature. This variant is reported in 0.018% of alleles in individuals of European (Non-Finnish) descent in gnomAD. At this time, the clinical significance of this variant is uncertain due to the absence of conclusive functional and genetic evidence.

Labcorp Genetics (formerly Invitae), Labcorp
Classification: Uncertain significance for Peroxisome biogenesis disorder. Last evaluated: 2025-01-30. Review status: criteria provided, single submitter. Criteria: Invitae Variant Classification Sherloc (09022015). Collection method: clinical testing. Allele origin: germline.
Comment: This sequence change replaces arginine, which is basic and polar, with histidine, which is basic and polar, at codon 546 of the PEX6 protein (p.Arg546His). This variant is present in population databases (rs201061728, gnomAD 0.02%). This variant has not been reported in the literature in individuals affected with PEX6-related conditions. ClinVar contains an entry for this variant (Variation ID: 1498521). An algorithm developed to predict the effect of missense changes on protein structure and function outputs the following: PolyPhen-2: "Possibly Damaging". The histidine amino acid residue is found in multiple mammalian species, which suggests that this missense change does not adversely affect protein function. In summary, the available evidence is currently insufficient to determine the role of this variant in disease. Therefore, it has been classified as a Variant of Uncertain Significance.

Blueprint Genetics
Classification: Uncertain significance. Last evaluated: 2024-10-10. Review status: criteria provided, single submitter. Criteria: ACMG Guidelines, 2015. Collection method: clinical testing. Allele origin: germline.